The following is an entry in ClinVar:

NM_152328.5(ADSS1):c.246C>A (p.Phe82Leu)

Gene: ADSS1 (adenylosuccinate synthase 1; plus strand). Cytogenetic location: 14q32.33.
Variant type: single nucleotide variant.
Coding change: c.246C>A on transcript NM_152328.5 (MANE Select); coding-DNA position 246, C replaced by A.
Protein change: p.Phe82Leu; replaces phenylalanine 82 with leucine.
Molecular consequence: missense variant. On other transcripts: 5 prime UTR variant (1).
Genome position (GRCh38, 1-based): chr14:104,735,073, C>A. VCF-style: chr14-104735073-C-A. GRCh37 (hg19) VCF-style: chr14-105201410-C-A.
Other names: c.-353C>A (NM_001320424.1); c.375C>A, p.Phe125Leu (NM_199165.2); c.375C>A (NM_199165.1); short protein forms F125L, F82L.
Identifiers: ClinVar variation 2414752 (VCV002414752.4), dbSNP rs1362177163, ClinGen allele CA391235703.

ClinVar aggregate classification (germline): Uncertain significance. Review status: criteria provided, multiple submitters, no conflicts (2 of 4 stars). 2 submissions from 2 submitters: Uncertain significance (2). Last evaluated 2025-09-09.

Conditions:
Inborn genetic diseases. Identifiers: MedGen C0950123, MeSH D030342.

Allele frequency attached by ClinVar (database versions not stated): TOPMed below 0.00001; gnomAD 0.00001; gnomAD exomes 0.00001.
gnomAD v4.1: 21 of 1,613,318 alleles (0.0013%); highest among the groups gnomAD compares: Non-Finnish European, 0.0017%; no homozygotes.

Submissions (2):

Ambry Genetics
Classification: Uncertain significance for Inborn genetic diseases. Last evaluated: 2025-09-09. Review status: criteria provided, single submitter. Criteria: Ambry Variant Classification Scheme 2023. Collection method: clinical testing. Allele origin: germline.

Labcorp Genetics (formerly Invitae), Labcorp
Classification: Uncertain significance. Last evaluated: 2022-07-18. Review status: criteria provided, single submitter. Criteria: Invitae Variant Classification Sherloc (09022015). Collection method: clinical testing. Allele origin: germline.
Comment: This sequence change replaces phenylalanine, which is neutral and non-polar, with leucine, which is neutral and non-polar, at codon 125 of the ADSSL1 protein (p.Phe125Leu). This variant is present in population databases (no rsID available, gnomAD 0.002%). This variant has not been reported in the literature in individuals affected with ADSSL1-related conditions. Algorithms developed to predict the effect of missense changes on protein structure and function are either unavailable or do not agree on the potential impact of this missense change (SIFT: "Not Available"; PolyPhen-2: "Probably Damaging"; Align-GVGD: "Not Available"). In summary, the available evidence is currently insufficient to determine the role of this variant in disease. Therefore, it has been classified as a Variant of Uncertain Significance.